The following is an entry in ClinVar:

NM_006766.5(KAT6A):c.1069C>T (p.Arg357Ter)

Gene: KAT6A (lysine acetyltransferase 6A; minus strand). Cytogenetic location: 8p11.21.
Variant type: single nucleotide variant.
Coding change: c.1069C>T on transcript NM_006766.5 (MANE Select); coding-DNA position 1069, C replaced by T.
Protein change: p.Arg357Ter; replaces arginine 357 with a stop codon.
Molecular consequence: nonsense.
Genome position (GRCh38, 1-based): chr8:41,977,302, G>A on the plus strand (C>T on the coding strand, the complement: KAT6A is on the minus strand). VCF-style: chr8-41977302-G-A. GRCh37 (hg19) VCF-style: chr8-41834820-G-A.
Other names: c.1069C>T, p.Arg357Ter (NM_001305878.2); short protein forms R357*.
Identifiers: ClinVar variation 4855158 (VCV004855158.1), dbSNP rs144857451.

ClinVar aggregate classification (germline): Likely pathogenic (1 of 4 stars; one submission).

Conditions:
Autosomal dominant intellectual disability-craniofacial anomalies-cardiac defects syndrome (ARTHS). Also called: Arboleda-Tham syndrome; Mental retardation, autosomal dominant 32; KAT6A syndrome. Identifiers: Orphanet 457193, MedGen C4225396, MONDO:0014558, OMIM 616268.

Submission:

3billion
Classification: Likely pathogenic for Autosomal dominant intellectual disability-craniofacial anomalies-cardiac defects syndrome. Last evaluated: 2025-05-27. Review status: criteria provided, single submitter. Criteria: ACMG Guidelines, 2015. Collection method: clinical testing. Allele origin: germline. Affected: yes.
Comment: The variant is not observed in the gnomAD v4.1.0 dataset. Predicted Consequence/Location: Stop-gained (nonsense): predicted to result in a loss or disruption of normal protein function through nonsense-mediated decay (NMD) or protein truncation. Multiple pathogenic variants are reported downstream of the variant. Therefore, this variant is classified as Likely pathogenic according to the recommendation of ACMG/AMP guideline.